The following is an entry in ClinVar:

NM_000179.3(MSH6):c.3173-7_3173-6del

Gene: MSH6 (mutS homolog 6; plus strand). Cytogenetic location: 2p16.3.
Variant type: Deletion.
Coding change: c.3173-7_3173-6del on transcript NM_000179.3 (MANE Select); 7 bases into the intron before coding-DNA position 3173 through 6 bases into the intron before coding-DNA position 3173, 2 bases deleted (TT; older notation c.3173-7_3173-6delTT).
Molecular consequence: intron variant.
Genome position (GRCh38, 1-based): chr2:47,803,413-47,803,414, TT deleted; deleting any 2 consecutive bases within chr2:47,803,411-47,803,414 gives the same sequence; the c. name uses the placement nearest the transcript's 3' end. VCF-style (leftmost placement, unchanged base first): chr2-47803410-CTT-C. GRCh37 (hg19) VCF-style: chr2-48030549-CTT-C.
Other names: c.3173-7_3173-6del (NM_001406809.1, NM_001406796.1, NM_001406808.1 and 1 more transcripts); c.2267-7_2267-6del (NM_001406811.1, NM_001406814.1, NM_001281493.2 and 6 more transcripts); c.2876-7_2876-6del (NM_001406805.1, NM_001406797.1, NM_001406801.1 and 10 more transcripts); c.3269-7_3269-6del (NM_001406795.1, NM_001406802.1); c.3179-7_3179-6del (NM_001406813.1); c.2648-7_2648-6del (NM_001406807.1, NM_001406799.1, NM_001406806.1); c.3173-181_3173-180del (NM_001406798.1); c.2309-7_2309-6del (NM_001406803.1); and 7 more.
Identifiers: ClinVar variation 3904572 (VCV003904572.1).

ClinVar aggregate classification (germline): Likely benign (1 of 4 stars; one submission).

Conditions:
Lynch syndrome 5 (LYNCH5). Also called: Colorectal cancer, hereditary nonpolyposis, type 5; Hereditary non-polyposis colorectal cancer, type 5. Identifiers: Orphanet 144, MedGen C1833477, MONDO:0013710, OMIM 614350. Disease mechanism: loss of function.

Submission:

Myriad Genetics, Inc.
Classification: Likely benign for Lynch syndrome 5. Last evaluated: 2025-01-03. Review status: criteria provided, single submitter. Criteria: Myriad Autosomal Dominant, Autosomal Recessive and X-Linked Classification Criteria (2023). Collection method: clinical testing. Allele origin: unknown.
Comment: This variant is considered likely benign. This variant is intronic and is not expected to impact mRNA splicing.